The following is an entry in ClinVar:

NM_001114753.3(ENG):c.985A>C (p.Ser329Arg)

Gene: ENG (endoglin; minus strand). Cytogenetic location: 9q34.11.
Variant type: single nucleotide variant.
Coding change: c.985A>C on transcript NM_001114753.3 (MANE Select); coding-DNA position 985, A replaced by C.
Protein change: p.Ser329Arg; replaces serine 329 with arginine.
Molecular consequence: missense variant.
Genome position (GRCh38, 1-based): chr9:127,824,806, T>G on the plus strand (A>C on the coding strand, the complement: ENG is on the minus strand). VCF-style: chr9-127824806-T-G. GRCh37 (hg19) VCF-style: chr9-130587085-T-G.
Other names: c.985A>C, p.Ser329Arg (NM_000118.4, NM_001406715.1); c.439A>C, p.Ser147Arg (NM_001278138.2); short protein forms S147R, S329R.
Identifiers: ClinVar variation 4870435 (VCV004870435.1).

ClinVar aggregate classification (germline): Uncertain significance (1 of 4 stars; one submission).

Conditions:
Cardiovascular phenotype. Identifiers: MedGen CN230736.

gnomAD v4.1: 1 of 1,565,920 alleles (0.000064%); highest among the groups gnomAD compares: Non-Finnish European, 0.000087%; no homozygotes.

Submission:

Ambry Genetics
Classification: Uncertain significance for Cardiovascular phenotype. Last evaluated: 2026-03-30. Review status: criteria provided, single submitter. Criteria: Ambry Variant Classification Scheme 2023. Collection method: clinical testing. Allele origin: germline.
Comment: The p.S329R variant (also known as c.985A>C), located in coding exon 7 of the ENG gene, results from an A to C substitution at nucleotide position 985. The serine at codon 329 is replaced by arginine, an amino acid with dissimilar properties. This amino acid position is conserved. In addition, this alteration is predicted to be tolerated by in silico analysis. Based on the available evidence, the clinical significance of this variant remains unclear.